The following is an entry in ClinVar:

ClinVar aggregate classification (germline): Uncertain significance (1 of 4 stars; one submission).

Allele frequency attached by ClinVar (database versions not stated): gnomAD exomes 0.00001 and 0.00002; TOPMed 0.00001; ExAC 0.00002; gnomAD 0.00002.

Submission:

Labcorp Genetics (formerly Invitae), Labcorp
Classification: Uncertain significance. Last evaluated: 2021-08-14. Review status: criteria provided, single submitter. Criteria: Invitae Variant Classification Sherloc (09022015). Collection method: clinical testing. Allele origin: germline.
Comment: This sequence change replaces valine with isoleucine at codon 187 of the ADGRV1 protein (p.Val187Ile). The valine residue is moderately conserved and there is a small physicochemical difference between valine and isoleucine. This variant is present in population databases (rs780962333, ExAC 0.004%). This variant has not been reported in the literature in individuals affected with ADGRV1-related conditions. Algorithms developed to predict the effect of missense changes on protein structure and function are either unavailable or do not agree on the potential impact of this missense change (SIFT: "Tolerated"; PolyPhen-2: "Possibly Damaging"; Align-GVGD: "Class C0"). In summary, the available evidence is currently insufficient to determine the role of this variant in disease. Therefore, it has been classified as a Variant of Uncertain Significance.

NM_032119.4(ADGRV1):c.559G>A (p.Val187Ile)

Gene: ADGRV1 (adhesion G protein-coupled receptor V1; plus strand). Cytogenetic location: 5q14.3.
Variant type: single nucleotide variant.
Coding change: c.559G>A on transcript NM_032119.4 (MANE Select); coding-DNA position 559, G replaced by A.
Protein change: p.Val187Ile; replaces valine 187 with isoleucine.
Molecular consequence: missense variant. On other transcripts: non-coding transcript variant (1).
Genome position (GRCh38, 1-based): chr5:90,625,130, G>A. VCF-style: chr5-90625130-G-A. GRCh37 (hg19) VCF-style: chr5-89920947-G-A.
Other names: short protein forms V187I.
Identifiers: ClinVar variation 1368003 (VCV001368003.5), dbSNP rs780962333, ClinGen allele CA3338504.